The following is an entry in ClinVar:

ClinVar aggregate classification (germline): Likely pathogenic (1 of 4 stars; one submission).

Conditions:
Myoclonic dystonia 11 (DYT11). Also called: DYT-SGCE; Myoclonic dystonia; Dystonia 11; Dystonia, alcohol responsive; Hereditary essential myoclonus; SGCE Myoclonus-Dystonia. Identifiers: Orphanet 36899, MedGen C1834570, MONDO:0008044, OMIM 159900.

gnomAD v4.1: 2 of 1,545,186 alleles (0.00013%); highest among the groups gnomAD compares: Admixed American, 0.0017%; no homozygotes.

Submission:

Undiagnosed Diseases Network, NIH
Classification: Likely pathogenic for Myoclonic dystonia 11. Last evaluated: 2025-04-02. Review status: criteria provided, single submitter. Criteria: ACMG Guidelines, 2015. Collection method: clinical testing. Allele origin: unknown. Inheritance: Autosomal dominant inheritance with maternal imprinting. Affected: yes. Observed: 1 variant allele, 1 heterozygote. Study: Undiagnosed Diseases Network (NIH), UDN.
Comment: This intronic variant is predicted to disrupt the canonical splice donor (SpliceAI: 0.74) and acceptor (SpliceAI: 0.68) sites flanking exon 4 of the SGCE gene which is out-of-frame. RNA sequencing detected a smal number of reads supporting exon 4 skipping. However, this aberrant splicing pattern did not reach statistical significance, potentially due to the low number of abnormal transcripts, possibly resulting from degradation via nonsense-mediated decay. The transcriptome sequencing for gene expression outlier analysis revealed a significant reduction in SGCE transcript levels. Taken together, these findings support that the c.463+5G>A variant is associated with exon 4 skipping and leads to reduced SGCE expression.

NM_003919.3(SGCE):c.463+5G>A

Genes: CASD1 (CAS1 domain sialic acid O acetyltransferase 1; plus strand), SGCE (sarcoglycan epsilon; minus strand). Cytogenetic location: 7q21.3.
Variant type: single nucleotide variant.
Coding change: c.463+5G>A on transcript NM_003919.3 (MANE Select); 5 bases into the intron after coding-DNA position 463, G replaced by A.
Molecular consequence: intron variant.
Genome position (GRCh38, 1-based): chr7:94,623,320, C>T on the plus strand (G>A on the coding strand, the complement: SGCE is on the minus strand). VCF-style: chr7-94623320-C-T. GRCh37 (hg19) VCF-style: chr7-94252632-C-T.
Other names: r.391_463del; c.376+5G>A (NM_001346719.2, NM_001362807.2); c.340+5G>A (NM_001362809.2, NM_001301139.2); c.463+5G>A (NM_001346717.2, NM_001099400.2, NM_001099401.2); c.571+5G>A (NM_001346715.2, NM_001346713.2); c.190+5G>A (NM_001362808.2, NM_001346720.2).
Identifiers: ClinVar variation 3906933 (VCV003906933.2).
Genomic context (GRCh38, chr7:94,623,320, plus strand): 5'-TAGTTATAAAACATAATGAAATACTTCTTATAAATAAGAAATGATCAACATATTTTCATA[C>T]CTACCTTCTGCAGACATTATATTAATTATCAAATTATGCCTTGCAGTCTCAAAGGTGCGC-3'